The following is an entry in ClinVar:

ClinVar aggregate classification (germline): Uncertain significance (1 of 4 stars; one submission).

Conditions:
Jeune thoracic dystrophy. Also called: Short-rib thoracic dysplasia; Jeune syndrome; Infantile thoracic dystrophy; Thoracic pelvic phalangeal dystrophy; Jeune's syndrome; Chondroectodermal dysplasia-like syndrome. Identifiers: Orphanet 474, MedGen C0265275, MONDO:0018770.

Allele frequency attached by ClinVar (database versions not stated): gnomAD exomes 0.00001 and 0.00002; TOPMed 0.00002; ExAC 0.00003; gnomAD 0.00003; ESP Exome Variant Server 0.00017.
gnomAD v4.1: 23 of 1,613,378 alleles (0.0014%); highest among the groups gnomAD compares: Admixed American, 0.005%; no homozygotes.

Submission:

Labcorp Genetics (formerly Invitae), Labcorp
Classification: Uncertain significance for Jeune thoracic dystrophy. Last evaluated: 2021-10-10. Review status: criteria provided, single submitter. Criteria: Invitae Variant Classification Sherloc (09022015). Collection method: clinical testing. Allele origin: germline.
Comment: This sequence change replaces histidine with arginine at codon 880 of the DYNC2H1 protein (p.His880Arg). The histidine residue is moderately conserved and there is a small physicochemical difference between histidine and arginine. This variant is present in population databases (rs373531037, ExAC 0.006%). This variant has not been reported in the literature in individuals affected with DYNC2H1-related conditions. Advanced modeling of protein sequence and biophysical properties (such as structural, functional, and spatial information, amino acid conservation, physicochemical variation, residue mobility, and thermodynamic stability) performed at Invitae indicates that this missense variant is not expected to disrupt DYNC2H1 protein function. In summary, the available evidence is currently insufficient to determine the role of this variant in disease. Therefore, it has been classified as a Variant of Uncertain Significance.

NM_001377.3(DYNC2H1):c.2639A>G (p.His880Arg)

Gene: DYNC2H1 (dynein cytoplasmic 2 heavy chain 1; plus strand). Cytogenetic location: 11q22.3.
Variant type: single nucleotide variant.
Coding change: c.2639A>G on transcript NM_001377.3 (MANE Select); coding-DNA position 2639, A replaced by G.
Protein change: p.His880Arg; replaces histidine 880 with arginine.
Molecular consequence: missense variant.
Genome position (GRCh38, 1-based): chr11:103,143,332, A>G. VCF-style: chr11-103143332-A-G. GRCh37 (hg19) VCF-style: chr11-103014061-A-G.
Other names: c.2639A>G, p.His880Arg (NM_001080463.2); short protein forms H880R.
Identifiers: ClinVar variation 1402343 (VCV001402343.3), dbSNP rs373531037, ClinGen allele CA6253102.
Genomic context (GRCh38, chr11:103,143,332, plus strand): 5'-GGATTGTAATTGGGCAAGTTGATATGGAAGCTCTGGTGGAAAAGCATCTTTTTACTGTAC[A>G]TGATTGGGAGAAAAATTTTAAAGCATTAAAAATAAAGGGGAAAGAAGTAGAACGACTTCC-3'
Protein context (NP_001368.2, residues 870-890): ALVEKHLFTV[His880Arg]DWEKNFKALK